The following is an entry in ClinVar:

NM_001844.5(COL2A1):c.1100del (p.Phe367fs)

Gene: COL2A1 (collagen type II alpha 1 chain; minus strand). Cytogenetic location: 12q13.11.
Variant type: Deletion.
Coding change: c.1100del on transcript NM_001844.5 (MANE Select); coding-DNA position 1100, one base deleted (T; older notation c.1100delT).
Protein change: p.Phe367fs; shifts the reading frame from phenylalanine 367.
Molecular consequence: frameshift variant.
Genome position (GRCh38, 1-based): chr12:47,989,250, A deleted on the plus strand (T on the coding strand, the reverse complement: COL2A1 is on the minus strand); the first of 2 consecutive A bases (chr12:47,989,250-47,989,251); deleting either gives the same sequence. VCF-style (leftmost placement, unchanged base first): chr12-47989249-GA-G. GRCh37 (hg19) VCF-style: chr12-48383032-GA-G.
Other names: c.893del, p.Phe298fs (NM_033150.3); short protein forms F367fs, F298fs.
Identifiers: ClinVar variation 1451761 (VCV001451761.6), dbSNP rs2136587619, ClinGen allele CA2573148709.
Genomic context (GRCh38, chr12:47,989,249, plus strand): 5'-GGCACCCAGAAGTTCCTGACTGGACAACAGGGCACGTACCTTGGCTCCAGGAGCACCAGG[GA>G]AGCCAGGACCACCAGCAGGACCGACAGGACCCTGGAGAGAGTAGGCGGATGAGAAGAGAG-3'

ClinVar aggregate classification (germline): Pathogenic (1 of 4 stars; one submission).

Submission:

Labcorp Genetics (formerly Invitae), Labcorp
Classification: Pathogenic. Last evaluated: 2021-12-15. Review status: criteria provided, single submitter. Criteria: Invitae Variant Classification Sherloc (09022015). Collection method: clinical testing. Allele origin: germline.
Comment: For these reasons, this variant has been classified as Pathogenic. This variant has not been reported in the literature in individuals affected with COL2A1-related conditions. This variant is not present in population databases (gnomAD no frequency). This sequence change creates a premature translational stop signal (p.Phe367Serfs*262) in the COL2A1 gene. It is expected to result in an absent or disrupted protein product. Loss-of-function variants in COL2A1 are known to be pathogenic (PMID: 20179744).

Literature cited by the submitters: PubMed 20179744.